The following is an entry in ClinVar:

NM_006031.6(PCNT):c.2493C>G (p.Asp831Glu)

Gene: PCNT (pericentrin; plus strand). Cytogenetic location: 21q22.3.
Variant type: single nucleotide variant.
Coding change: c.2493C>G on transcript NM_006031.6 (MANE Select); coding-DNA position 2493, C replaced by G.
Protein change: p.Asp831Glu; replaces aspartic acid 831 with glutamic acid.
Molecular consequence: missense variant.
Genome position (GRCh38, 1-based): chr21:46,363,818, C>G. VCF-style: chr21-46363818-C-G. GRCh37 (hg19) VCF-style: chr21-47783733-C-G.
Other names: c.2139C>G, p.Asp713Glu (NM_001315529.2); short protein forms D713E, D831E.
Identifiers: ClinVar variation 3350893 (VCV003350893.1).

ClinVar aggregate classification (germline): Uncertain significance (0 of 4 stars; one submission).

Conditions:
PCNT-related disorder. Also called: PCNT-related condition.

gnomAD v4.1: 1 of 1,612,580 alleles (0.000062%); highest among the groups gnomAD compares: Non-Finnish European, 0.000085%; no homozygotes.

Submission:

PreventionGenetics, part of Exact Sciences
Classification: Uncertain significance for PCNT-related condition. Last evaluated: 2024-02-07. Review status: no assertion criteria provided. Collection method: clinical testing. Allele origin: germline.
Comment: The PCNT c.2493C>G variant is predicted to result in the amino acid substitution p.Asp831Glu. To our knowledge, this variant has not been reported in the literature. This variant is reported in 0.00089% of alleles in individuals of European (Non-Finnish) descent in gnomAD. At this time, the clinical significance of this variant is uncertain due to the absence of conclusive functional and genetic evidence.